The following is an entry in ClinVar:

ClinVar aggregate classification (germline): Uncertain significance (1 of 4 stars; one submission).

Conditions:
Neurodevelopmental disorder with cerebellar atrophy and with or without seizures. Identifiers: MedGen C4748032, MONDO:0020841, OMIM 618056.

Submission:

MGZ Medical Genetics Center
Classification: Uncertain significance for Neurodevelopmental disorder with cerebellar atrophy and with or without seizures. Last evaluated: 2022-06-02. Review status: criteria provided, single submitter. Criteria: ACMG Guidelines, 2015. Collection method: clinical testing. Allele origin: germline. Affected: yes. Observed: 1 variant allele.
Comment: ACMG criteria applied: PM2_SUP, BP4

NM_152743.4(BRAT1):c.2144T>A (p.Val715Glu)

Gene: BRAT1 (BRCA1 associated ATM activator 1; minus strand). Cytogenetic location: 7p22.3.
Variant type: single nucleotide variant.
Coding change: c.2144T>A on transcript NM_152743.4 (MANE Select); coding-DNA position 2144, T replaced by A.
Protein change: p.Val715Glu; replaces valine 715 with glutamic acid.
Molecular consequence: missense variant. On other transcripts: non-coding transcript variant (1).
Genome position (GRCh38, 1-based): chr7:2,538,391, A>T on the plus strand (T>A on the coding strand, the complement: BRAT1 is on the minus strand). VCF-style: chr7-2538391-A-T. GRCh37 (hg19) VCF-style: chr7-2578025-A-T.
Other names: c.2324T>A, p.Val775Glu (NM_001350626.2); c.1619T>A, p.Val540Glu (NM_001350627.2); short protein forms V540E, V715E, V775E.
Identifiers: ClinVar variation 1709257 (VCV001709257.2), dbSNP rs1562564626, ClinGen allele CA366624480.